The following is an entry in ClinVar:

ClinVar aggregate classification (germline): Uncertain significance (1 of 4 stars; one submission).

Allele frequency attached by ClinVar (database versions not stated): gnomAD exomes below 0.00001.

Submission:

Labcorp Genetics (formerly Invitae), Labcorp
Classification: Uncertain significance. Last evaluated: 2023-07-11. Review status: criteria provided, single submitter. Criteria: Invitae Variant Classification Sherloc (09022015). Collection method: clinical testing. Allele origin: germline.
Comment: In summary, the available evidence is currently insufficient to determine the role of this variant in disease. Therefore, it has been classified as a Variant of Uncertain Significance. An algorithm developed to predict the effect of missense changes on protein structure and function (PolyPhen-2) suggests that this variant is likely to be tolerated. This variant has not been reported in the literature in individuals affected with LAMTOR2-related conditions. This variant is present in population databases (no rsID available, gnomAD 0.003%). This sequence change replaces alanine, which is neutral and non-polar, with threonine, which is neutral and polar, at codon 63 of the LAMTOR2 protein (p.Ala63Thr).

NM_014017.4(LAMTOR2):c.187G>A (p.Ala63Thr)

Genes: LAMTOR2 (late endosomal/lysosomal adaptor, MAPK and MTOR activator 2; plus strand), LOC129931594 (ATAC-STARR-seq lymphoblastoid active region 1836; plus strand). Cytogenetic location: 1q22.
Variant type: single nucleotide variant.
Coding change: c.187G>A on transcript NM_014017.4 (MANE Select); coding-DNA position 187, G replaced by A.
Protein change: p.Ala63Thr; replaces alanine 63 with threonine.
Molecular consequence: missense variant.
Genome position (GRCh38, 1-based): chr1:156,055,381, G>A. VCF-style: chr1-156055381-G-A. GRCh37 (hg19) VCF-style: chr1-156025172-G-A.
Other names: c.187G>A, p.Ala63Thr (NM_001145264.2); short protein forms A63T.
Identifiers: ClinVar variation 2794069 (VCV002794069.3), dbSNP rs1395106562, ClinGen allele CA342815122.